The following is an entry in ClinVar:

ClinVar aggregate classification (germline): Benign. Review status: criteria provided, single submitter (1 of 4 stars). 2 submissions from 2 submitters: Benign (1). 1 of the submissions does not count toward it. Last evaluated 2025-07-20.

Conditions:
KLB-related disorder. Also called: KLB-related condition.

Allele frequency attached by ClinVar (database versions not stated): TOPMed 0.00091; 1000 Genomes Project 30x 0.00172; ESP Exome Variant Server 0.00185; 1000 Genomes Project 0.00200; gnomAD exomes 0.00320 and 0.00563; gnomAD 0.00403 and 0.00422; ExAC 0.00466.
gnomAD v4.1: 5,251 of 1,614,100 alleles (0.33%); highest among the groups gnomAD compares: Non-Finnish European, 0.2%; 71 homozygotes.

Submissions (2):

Labcorp Genetics (formerly Invitae), Labcorp
Classification: Benign. Last evaluated: 2025-07-20. Review status: criteria provided, single submitter. Criteria: Invitae Variant Classification Sherloc (09022015). Collection method: clinical testing. Allele origin: germline.

PreventionGenetics, part of Exact Sciences
Classification: Benign for KLB-related condition. Last evaluated: 2019-07-11. Review status: no assertion criteria provided. Collection method: clinical testing. Allele origin: germline. Not counted in ClinVar's aggregate classification.
Comment: This variant is classified as benign based on ACMG/AMP sequence variant interpretation guidelines (Richards et al. 2015 PMID: 25741868, with internal and published modifications).

NM_175737.4(KLB):c.1197G>A (p.Ala399=)

Gene: KLB (klotho beta; plus strand). Cytogenetic location: 4p14.
Variant type: single nucleotide variant.
Coding change: c.1197G>A on transcript NM_175737.4 (MANE Select); coding-DNA position 1197, G replaced by A.
Protein change: p.Ala399=; no amino-acid change (alanine 399 retained).
Molecular consequence: synonymous variant.
Genome position (GRCh38, 1-based): chr4:39,434,581, G>A. VCF-style: chr4-39434581-G-A. GRCh37 (hg19) VCF-style: chr4-39436201-G-A.
Identifiers: ClinVar variation 724602 (VCV000724602.12), dbSNP rs116274139, ClinGen allele CA2893781.